The following is an entry in ClinVar:

NM_000074.3(CD40LG):c.375del (p.His125fs)

Gene: CD40LG (CD40 ligand; plus strand). Cytogenetic location: Xq26.3.
Variant type: Deletion.
Coding change: c.375del on transcript NM_000074.3 (MANE Select); coding-DNA position 375, one base deleted (T; older notation c.375delT).
Protein change: p.His125fs; shifts the reading frame from histidine 125.
Molecular consequence: frameshift variant.
Genome position (GRCh38, 1-based): chrX:136,656,384, T deleted. VCF-style (leftmost placement, unchanged base first): chrX-136656383-AT-A. GRCh37 (hg19) VCF-style: chrX-135738542-AT-A.
Other names: short protein forms H125fs.
Identifiers: ClinVar variation 817721 (VCV000817721.1), dbSNP rs1603321154, ClinGen allele CA915952038.

ClinVar aggregate classification (germline): Likely pathogenic (1 of 4 stars; one submission).

Submission:

GeneDx
Classification: Likely pathogenic. Last evaluated: 2018-06-28. Review status: criteria provided, single submitter. Criteria: GeneDx Variant Classification (06012015). Collection method: clinical testing. Allele origin: germline. Affected: yes.
Comment: The c.375delT variant in the CD40L gene has not been published as a pathogenic variant, nor has it been reported as a benign variant to our knowledge. The variant is not observed in large population cohorts (Lek et al., 2016). It causes a frameshift starting with codon Histidine 125, changes this amino acid to a Glutamine residue and creates a premature Stop codon at position 3 of the new reading frame, denoted p.His125GlnfsX3. This variant is predicted to cause loss of normal protein function through protein truncation. In summary, we consider this variant to be likely pathogenic.